The following is an entry in ClinVar:

NM_198428.3(BBS9):c.445C>T (p.Arg149Ter)

Gene: BBS9 (Bardet-Biedl syndrome 9; plus strand). Cytogenetic location: 7p14.3.
Variant type: single nucleotide variant.
Coding change: c.445C>T on transcript NM_198428.3 (MANE Select); coding-DNA position 445, C replaced by T.
Protein change: p.Arg149Ter; replaces arginine 149 with a stop codon.
Molecular consequence: nonsense. On other transcripts: non-coding transcript variant (3).
Genome position (GRCh38, 1-based): chr7:33,257,238, C>T. VCF-style: chr7-33257238-C-T. GRCh37 (hg19) VCF-style: chr7-33296850-C-T.
Other names: c.445C>T, p.Arg149Ter (NM_001033604.2, NM_001033605.2, NM_001348036.1 and 5 more transcripts); c.79C>T, p.Arg27Ter (NM_001348037.3, NM_001348044.3, NM_001348045.3 and 1 more transcripts); c.172C>T, p.Arg58Ter (NM_001348038.3, NM_001348039.3); c.310C>T, p.Arg104Ter (NM_001348042.3); short protein forms R149*, R27*, R58*, R104*.
Identifiers: ClinVar variation 523079 (VCV000523079.10), dbSNP rs781174906, ClinGen allele CA4214012.

ClinVar aggregate classification (germline): Pathogenic. Review status: criteria provided, multiple submitters, no conflicts (2 of 4 stars). 4 submissions from 4 submitters: Pathogenic (4). Last evaluated 2024-02-27.

Conditions:
Bardet-Biedl syndrome 9 (BBS9). Identifiers: Orphanet 110, MedGen C1859567, MONDO:0014437, OMIM 615986.
BBS9-related disorder. Also called: BBS9-related condition.
Bardet-Biedl syndrome (BBS). Identifiers: Orphanet 110, MedGen C0752166, MONDO:0015229.

Allele frequency attached by ClinVar (database versions not stated): gnomAD exomes 0.00001; ExAC 0.00003.
gnomAD v4.1: 9 of 1,604,708 alleles (0.00056%); highest among the groups gnomAD compares: Non-Finnish European, 0.00077%; no homozygotes.

Submissions (4):

Blueprint Genetics
Classification: Pathogenic for BBS9-related disorders. Last evaluated: 2024-02-27. Review status: criteria provided, single submitter. Criteria: ACMG Guidelines, 2015. Collection method: clinical testing. Allele origin: germline. Affected: yes. Observed: 2 variant alleles.

Baylor Genetics
Classification: Pathogenic for Bardet-Biedl syndrome 9. Last evaluated: 2023-11-02. Review status: criteria provided, single submitter. Criteria: ACMG Guidelines, 2015. Collection method: clinical testing. Allele origin: unknown.

Labcorp Genetics (formerly Invitae), Labcorp
Classification: Pathogenic for Bardet-Biedl syndrome. Last evaluated: 2023-06-01. Review status: criteria provided, single submitter. Criteria: Invitae Variant Classification Sherloc (09022015). Collection method: clinical testing. Allele origin: germline.
Comment: For these reasons, this variant has been classified as Pathogenic. ClinVar contains an entry for this variant (Variation ID: 523079). This premature translational stop signal has been observed in individual(s) with Bardet–Biedl syndrome (PMID: 33777945). This variant is present in population databases (rs781174906, gnomAD 0.003%). This sequence change creates a premature translational stop signal (p.Arg149*) in the BBS9 gene. It is expected to result in an absent or disrupted protein product. Loss-of-function variants in BBS9 are known to be pathogenic (PMID: 16380913, 20177705).

Genomic Research Center, Shahid Beheshti University of Medical Sciences
Classification: Pathogenic for Bardet-Biedl syndrome 9. Last evaluated: 2017-12-18. Review status: criteria provided, single submitter. Criteria: ACMG Guidelines, 2015. Collection method: clinical testing. Allele origin: inherited. Affected: yes.

Literature cited by the submitters: PubMed 33777945 (cited by Labcorp Genetics (formerly Invitae), Labcorp); PubMed 16380913 (cited by Labcorp Genetics (formerly Invitae), Labcorp); PubMed 20177705 (cited by Labcorp Genetics (formerly Invitae), Labcorp).